The following is an entry in ClinVar:

ClinVar aggregate classification (germline): Uncertain significance (1 of 4 stars; one submission).

Conditions:
Leigh syndrome (NULS). Also called: Leigh's necrotizing encephalopathy; Leigh's disease; Leigh Syndrome (mtDNA deletion); Leigh Disease; Subacute necrotizing encephalopathy; Necrotizing encephalopathy infantile subacute of Leigh. Identifiers: Orphanet 506, MedGen C2931891, MONDO:0009723, OMIM 256000.

Submission:

Wong Mito Lab, Molecular and Human Genetics, Baylor College of Medicine
Classification: Uncertain significance for Leigh syndrome. Last evaluated: 2019-10-17. Review status: criteria provided, single submitter. Criteria: Modified ACMG Guidelines (Unpublished). Collection method: clinical testing. Allele origin: germline.
Comment: The NC_012920.1:m.13552G>A (YP_003024036.1:p.Ala406Thr) variant in MTND5 gene is interpretated to be a Uncertain Significance variant based on the modified ACMG guidelines (unpublished). This variant meets the following evidence codes: PM9, PP6, PP7, BP4

NC_012920.1(MT-ND5):m.13552G>A

Gene: MT-ND5 (mitochondrially encoded NADH dehydrogenase 5; plus strand).
Variant type: single nucleotide variant.
Genome position: chrM-13552-G-A.
Identifiers: ClinVar variation 693571 (VCV000693571.1), dbSNP rs1603224232, ClinGen allele CA414818499.